The following is an entry in ClinVar:

NM_030665.4(RAI1):c.2734G>A (p.Ala912Thr)

Gene: RAI1 (retinoic acid induced 1; plus strand). Cytogenetic location: 17p11.2.
Variant type: single nucleotide variant.
Coding change: c.2734G>A on transcript NM_030665.4 (MANE Select); coding-DNA position 2734, G replaced by A.
Protein change: p.Ala912Thr; replaces alanine 912 with threonine.
Molecular consequence: missense variant.
Genome position (GRCh38, 1-based): chr17:17,795,682, G>A. VCF-style: chr17-17795682-G-A. GRCh37 (hg19) VCF-style: chr17-17698996-G-A.
Other names: c.2734G>A (NM_030665.3); short protein forms A912T.
Identifiers: ClinVar variation 2772372 (VCV002772372.4), dbSNP rs2508583264, ClinGen allele CA398551882.

ClinVar aggregate classification (germline): Uncertain significance. Review status: criteria provided, multiple submitters, no conflicts (2 of 4 stars). 2 submissions from 2 submitters: Uncertain significance (2). Last evaluated 2025-06-25.

Conditions:
Inborn genetic diseases. Identifiers: MedGen C0950123, MeSH D030342.

Submissions (2):

Ambry Genetics
Classification: Uncertain significance for Inborn genetic diseases. Last evaluated: 2025-06-25. Review status: criteria provided, single submitter. Criteria: Ambry Variant Classification Scheme 2023. Collection method: clinical testing. Allele origin: germline.

Labcorp Genetics (formerly Invitae), Labcorp
Classification: Uncertain significance. Last evaluated: 2023-10-28. Review status: criteria provided, single submitter. Criteria: Invitae Variant Classification Sherloc (09022015). Collection method: clinical testing. Allele origin: germline.
Comment: This sequence change replaces alanine, which is neutral and non-polar, with threonine, which is neutral and polar, at codon 912 of the RAI1 protein (p.Ala912Thr). This variant is not present in population databases (gnomAD no frequency). This variant has not been reported in the literature in individuals affected with RAI1-related conditions. Advanced modeling of protein sequence and biophysical properties (such as structural, functional, and spatial information, amino acid conservation, physicochemical variation, residue mobility, and thermodynamic stability) performed at Invitae indicates that this missense variant is not expected to disrupt RAI1 protein function with a negative predictive value of 80%. In summary, the available evidence is currently insufficient to determine the role of this variant in disease. Therefore, it has been classified as a Variant of Uncertain Significance.